The following is an entry in ClinVar:

ClinVar aggregate classification (germline): Uncertain significance (1 of 4 stars; one submission).

gnomAD v4.1: 25 of 1,612,002 alleles (0.0016%); highest among the groups gnomAD compares: Non-Finnish European, 0.0021%; no homozygotes.

Submission:

Labcorp Genetics (formerly Invitae), Labcorp
Classification: Uncertain significance. Last evaluated: 2024-09-24. Review status: criteria provided, single submitter. Criteria: Invitae Variant Classification Sherloc (09022015). Collection method: clinical testing. Allele origin: germline.
Comment: This sequence change replaces glycine, which is neutral and non-polar, with valine, which is neutral and non-polar, at codon 287 of the POLR1A protein (p.Gly287Val). This variant is present in population databases (rs372995777, gnomAD 0.0009%). This variant has not been reported in the literature in individuals affected with POLR1A-related conditions. An algorithm developed to predict the effect of missense changes on protein structure and function (PolyPhen-2) suggests that this variant is likely to be tolerated. In summary, the available evidence is currently insufficient to determine the role of this variant in disease. Therefore, it has been classified as a Variant of Uncertain Significance.

NM_015425.6(POLR1A):c.860G>T (p.Gly287Val)

Gene: POLR1A (RNA polymerase I subunit A; minus strand). Cytogenetic location: 2p11.2.
Variant type: single nucleotide variant.
Coding change: c.860G>T on transcript NM_015425.6 (MANE Select); coding-DNA position 860, G replaced by T.
Protein change: p.Gly287Val; replaces glycine 287 with valine.
Molecular consequence: missense variant.
Genome position (GRCh38, 1-based): chr2:86,081,664, C>A on the plus strand (G>T on the coding strand, the complement: POLR1A is on the minus strand). VCF-style: chr2-86081664-C-A. GRCh37 (hg19) VCF-style: chr2-86308787-C-A.
Other names: short protein forms G287V.
Identifiers: ClinVar variation 3716879 (VCV003716879.2).